The following is an entry in ClinVar:

NM_032737.4(LMNB2):c.37C>T (p.Arg13Cys)

Genes: LMNB2 (lamin B2; minus strand), LOC130063066 (ATAC-STARR-seq lymphoblastoid silent region 9792; plus strand). Cytogenetic location: 19p13.3.
Variant type: single nucleotide variant.
Coding change: c.37C>T on transcript NM_032737.4 (MANE Select); coding-DNA position 37, C replaced by T.
Protein change: p.Arg13Cys; replaces arginine 13 with cysteine.
Molecular consequence: missense variant.
Genome position (GRCh38, 1-based): chr19:2,456,897, G>A on the plus strand (C>T on the coding strand, the complement: LMNB2 is on the minus strand). VCF-style: chr19-2456897-G-A. GRCh37 (hg19) VCF-style: chr19-2456895-G-A.
Other names: short protein forms R13C.
Identifiers: ClinVar variation 1439036 (VCV001439036.7), dbSNP rs1296402064, ClinGen allele CA403260181.

ClinVar aggregate classification (germline): Uncertain significance (1 of 4 stars; one submission).

Conditions:
Lipodystrophy, partial, acquired, susceptibility to (APLD). Also called: APLD, SUSCEPTIBILITY TO. Identifiers: MedGen C3887501, MONDO:0100476, OMIM 608709.
Progressive myoclonic epilepsy type 9. Identifiers: Orphanet 457265, MedGen C4225289, MONDO:0014685, OMIM 616540.

Allele frequency attached by ClinVar (database versions not stated): gnomAD exomes below 0.00001; TOPMed 0.00001.
gnomAD v4.1: 3 of 1,029,626 alleles (0.00029%); highest among the groups gnomAD compares: Non-Finnish European, 0.00023%; no homozygotes.

Submission:

Labcorp Genetics (formerly Invitae), Labcorp
Classification: Uncertain significance for Progressive myoclonic epilepsy type 9; Lipodystrophy, partial, acquired, susceptibility to. Last evaluated: 2023-07-07. Review status: criteria provided, single submitter. Criteria: Invitae Variant Classification Sherloc (09022015). Collection method: clinical testing. Allele origin: germline.
Comment: In summary, the available evidence is currently insufficient to determine the role of this variant in disease. Therefore, it has been classified as a Variant of Uncertain Significance. Experimental studies and prediction algorithms are not available or were not evaluated, and the functional significance of this variant is currently unknown. ClinVar contains an entry for this variant (Variation ID: 1439036). This variant has not been reported in the literature in individuals affected with LMNB2-related conditions. The frequency data for this variant in the population databases is considered unreliable, as metrics indicate insufficient coverage at this position in the gnomAD database. This sequence change replaces arginine, which is basic and polar, with cysteine, which is neutral and slightly polar, at codon 13 of the LMNB2 protein (p.Arg13Cys).